The following is an entry in ClinVar:

NM_001009944.3(PKD1):c.3296-1G>T

Gene: PKD1 (polycystin 1, transient receptor potential channel interacting; minus strand). Cytogenetic location: 16p13.3.
Variant type: single nucleotide variant.
Coding change: c.3296-1G>T on transcript NM_001009944.3 (MANE Select); the canonical splice acceptor site of the intron before coding-DNA position 3296, G replaced by T.
Molecular consequence: splice acceptor variant.
Genome position (GRCh38, 1-based): chr16:2,111,872, C>A on the plus strand (G>T on the coding strand, the complement: PKD1 is on the minus strand). VCF-style: chr16-2111872-C-A. GRCh37 (hg19) VCF-style: chr16-2161873-C-A.
Other names: c.3296-1G>T (NM_000296.4).
Identifiers: ClinVar variation 4682484 (VCV004682484.1).

ClinVar aggregate classification (germline): Pathogenic (1 of 4 stars; one submission).

Submission:

Athena Diagnostics
Classification: Pathogenic. Last evaluated: 2025-05-15. Review status: criteria provided, single submitter. Criteria: Athena Diagnostics Criteria. Collection method: clinical testing. Allele origin: unknown.
Comment: This variant is expected to severely impact normal RNA splicing, and consequently, protein structure and/or function. This variant has not been reported in large, multi-ethnic general populations. This variant has been identified in at least one individual with clinical features associated with this gene.

Literature cited by the submitters: PubMed 27835667.